The following is an entry in ClinVar:

ClinVar aggregate classification (germline): Uncertain significance (1 of 4 stars; one submission).

Allele frequency attached by ClinVar (database versions not stated): gnomAD exomes below 0.00001.
gnomAD v4.1: 1 of 1,550,620 alleles (0.000064%); highest among the groups gnomAD compares: Middle Eastern, 0.017%; no homozygotes.

Submission:

Labcorp Genetics (formerly Invitae), Labcorp
Classification: Uncertain significance. Last evaluated: 2022-08-22. Review status: criteria provided, single submitter. Criteria: Invitae Variant Classification Sherloc (09022015). Collection method: clinical testing. Allele origin: germline.
Comment: This sequence change replaces lysine, which is basic and polar, with glutamine, which is neutral and polar, at codon 1999 of the LOXHD1 protein (p.Lys1999Gln). This variant is not present in population databases (gnomAD no frequency). This variant has not been reported in the literature in individuals affected with LOXHD1-related conditions. ClinVar contains an entry for this variant (Variation ID: 1372755). Algorithms developed to predict the effect of missense changes on protein structure and function are either unavailable or do not agree on the potential impact of this missense change (SIFT: "Deleterious"; PolyPhen-2: "Possibly Damaging"; Align-GVGD: "Class C0"). Algorithms developed to predict the effect of sequence changes on RNA splicing suggest that this variant may disrupt the consensus splice site. In summary, the available evidence is currently insufficient to determine the role of this variant in disease. Therefore, it has been classified as a Variant of Uncertain Significance.

NM_001384474.1(LOXHD1):c.6181A>C (p.Lys2061Gln)

Gene: LOXHD1 (lipoxygenase homology PLAT domains 1; minus strand). Cytogenetic location: 18q21.1.
Variant type: single nucleotide variant.
Coding change: c.6181A>C on transcript NM_001384474.1 (MANE Select); coding-DNA position 6181, A replaced by C.
Protein change: p.Lys2061Gln; replaces lysine 2061 with glutamine.
Molecular consequence: missense variant.
Genome position (GRCh38, 1-based): chr18:46,485,020, T>G on the plus strand (A>C on the coding strand, the complement: LOXHD1 is on the minus strand). VCF-style: chr18-46485020-T-G. GRCh37 (hg19) VCF-style: chr18-44064983-T-G.
Other names: c.2848A>C, p.Lys950Gln (NM_001145472.3); c.898A>C, p.Lys300Gln (NM_001145473.3, NM_001173129.2); c.2560A>C, p.Lys854Gln (NM_001308013.2); c.5995A>C, p.Lys1999Gln (NM_144612.7); short protein forms K300Q, K854Q, K950Q, K1999Q, K2061Q.
Identifiers: ClinVar variation 1372755 (VCV001372755.3), dbSNP rs2143554936, ClinGen allele CA402366201.